The following is an entry in ClinVar:

NM_133642.5(LARGE1):c.418G>A (p.Val140Ile)

Gene: LARGE1 (LARGE xylosyl- and glucuronyltransferase 1; minus strand). Cytogenetic location: 22q12.3.
Variant type: single nucleotide variant.
Coding change: c.418G>A on transcript NM_133642.5 (MANE Select); coding-DNA position 418, G replaced by A.
Protein change: p.Val140Ile; replaces valine 140 with isoleucine.
Molecular consequence: missense variant.
Genome position (GRCh38, 1-based): chr22:33,626,317, C>T on the plus strand (G>A on the coding strand, the complement: LARGE1 is on the minus strand). VCF-style: chr22-33626317-C-T. GRCh37 (hg19) VCF-style: chr22-34022301-C-T.
Other names: c.418G>A, p.Val140Ile (NM_001362949.2, NM_001362951.2, NM_001362953.2 and 7 more transcripts); short protein forms V140I.
Identifiers: ClinVar variation 578735 (VCV000578735.8), dbSNP rs780394465, ClinGen allele CA10203050.

ClinVar aggregate classification (germline): Uncertain significance. Review status: criteria provided, multiple submitters, no conflicts (2 of 4 stars). 2 submissions from 2 submitters: Uncertain significance (2). Last evaluated 2022-03-08.

Conditions:
Muscular dystrophy-dystroglycanopathy type B6 (MDDGB6). Also called: MUSCULAR DYSTROPHY-DYSTROGLYCANOPATHY (CONGENITAL WITH IMPAIRED INTELLECTUAL DEVELOPMENT), TYPE B, 6; MUSCULAR DYSTROPHY, CONGENITAL, LARGE-RELATED; MUSCULAR DYSTROPHY, CONGENITAL, TYPE 1D. Identifiers: MedGen C1837229, MONDO:0012138, OMIM 608840.

Allele frequency attached by ClinVar (database versions not stated): gnomAD 0.00001; ExAC 0.00002; gnomAD exomes 0.00002; TOPMed 0.00002.

Submissions (2):

Labcorp Genetics (formerly Invitae), Labcorp
Classification: Uncertain significance for Muscular dystrophy-dystroglycanopathy type B6. Last evaluated: 2022-03-08. Review status: criteria provided, single submitter. Criteria: Invitae Variant Classification Sherloc (09022015). Collection method: clinical testing. Allele origin: germline.
Comment: This sequence change replaces valine, which is neutral and non-polar, with isoleucine, which is neutral and non-polar, at codon 140 of the LARGE1 protein (p.Val140Ile). This variant is present in population databases (rs780394465, gnomAD 0.006%). This variant has not been reported in the literature in individuals affected with LARGE1-related conditions. ClinVar contains an entry for this variant (Variation ID: 578735). Algorithms developed to predict the effect of missense changes on protein structure and function (SIFT, PolyPhen-2, Align-GVGD) all suggest that this variant is likely to be tolerated. In summary, the available evidence is currently insufficient to determine the role of this variant in disease. Therefore, it has been classified as a Variant of Uncertain Significance.

Breakthrough Genomics
Classification: Uncertain significance. Review status: criteria provided, single submitter. Criteria: ACMG Guidelines, 2015. Collection method: not provided. Allele origin: germline. Inheritance: Autosomal dominant inheritance. Affected: yes.